The following is an entry in ClinVar:

ClinVar aggregate classification (germline): Uncertain significance. Review status: criteria provided, multiple submitters, no conflicts (2 of 4 stars). 2 submissions from 2 submitters: Uncertain significance (2). Last evaluated 2025-05-18.

Conditions:
Cardiovascular phenotype. Identifiers: MedGen CN230736.

Submissions (2):

Ambry Genetics
Classification: Uncertain significance for Cardiovascular phenotype. Last evaluated: 2025-05-18. Review status: criteria provided, single submitter. Criteria: Ambry Variant Classification Scheme 2023. Collection method: clinical testing. Allele origin: germline.
Comment: The p.T82P variant (also known as c.244A>C), located in coding exon 2 of the TBX20 gene, results from an A to C substitution at nucleotide position 244. The threonine at codon 82 is replaced by proline, an amino acid with highly similar properties. This amino acid position is conserved. In addition, the in silico prediction for this alteration is inconclusive. Based on the available evidence, the clinical significance of this variant remains unclear.

Labcorp Genetics (formerly Invitae), Labcorp
Classification: Uncertain significance. Last evaluated: 2022-10-03. Review status: criteria provided, single submitter. Criteria: Invitae Variant Classification Sherloc (09022015). Collection method: clinical testing. Allele origin: germline.
Comment: In summary, the available evidence is currently insufficient to determine the role of this variant in disease. Therefore, it has been classified as a Variant of Uncertain Significance. Advanced modeling of protein sequence and biophysical properties (such as structural, functional, and spatial information, amino acid conservation, physicochemical variation, residue mobility, and thermodynamic stability) performed at Invitae indicates that this missense variant is not expected to disrupt TBX20 protein function. This variant has not been reported in the literature in individuals affected with TBX20-related conditions. This variant is not present in population databases (gnomAD no frequency). This sequence change replaces threonine, which is neutral and polar, with proline, which is neutral and non-polar, at codon 82 of the TBX20 protein (p.Thr82Pro).

NM_001077653.2(TBX20):c.244A>C (p.Thr82Pro)

Gene: TBX20 (T-box transcription factor 20; minus strand). Cytogenetic location: 7p14.2.
Variant type: single nucleotide variant.
Coding change: c.244A>C on transcript NM_001077653.2 (MANE Select); coding-DNA position 244, A replaced by C.
Protein change: p.Thr82Pro; replaces threonine 82 with proline.
Molecular consequence: missense variant.
Genome position (GRCh38, 1-based): chr7:35,250,087, T>G on the plus strand (A>C on the coding strand, the complement: TBX20 is on the minus strand). VCF-style: chr7-35250087-T-G. GRCh37 (hg19) VCF-style: chr7-35289699-T-G.
Other names: c.244A>C, p.Thr82Pro (NM_001166220.1); short protein forms T82P.
Identifiers: ClinVar variation 2193646 (VCV002193646.5), dbSNP rs1790274812, ClinGen allele CA367265185.